The following is an entry in ClinVar:

ClinVar aggregate classification (germline): Likely benign. Review status: criteria provided, multiple submitters, no conflicts (2 of 4 stars). 2 submissions from 2 submitters: Likely benign (2). Last evaluated 2024-04-16.

Conditions:
Hereditary spastic paraplegia 39 (SPG39). Also called: Spastic Paraplegia Type 39 (SPG39); SPASTIC PARAPLEGIA 39, AUTOSOMAL RECESSIVE. Identifiers: Orphanet 139480, MedGen C2677586, MONDO:0012787, OMIM 612020.

Allele frequency attached by ClinVar (database versions not stated): ExAC below 0.00001; gnomAD exomes 0.00001; TOPMed 0.00005; gnomAD 0.00010.
gnomAD v4.1: 6 of 1,612,926 alleles (0.00037%); highest among the groups gnomAD compares: African/African-American, 0.0067%; no homozygotes.

Submissions (2):

Labcorp Genetics (formerly Invitae), Labcorp
Classification: Likely benign for Hereditary spastic paraplegia 39. Last evaluated: 2024-04-16. Review status: criteria provided, single submitter. Criteria: Invitae Variant Classification Sherloc (09022015). Collection method: clinical testing. Allele origin: germline.

GeneDx
Classification: Likely benign. Last evaluated: 2017-04-07. Review status: criteria provided, single submitter. Criteria: GeneDx Variant Classification (06012015). Collection method: clinical testing. Allele origin: germline. Affected: yes.
Comment: This variant is considered likely benign or benign based on one or more of the following criteria: it is a conservative change, it occurs at a poorly conserved position in the protein, it is predicted to be benign by multiple in silico algorithms, and/or has population frequency not consistent with disease.

NM_001166114.2(PNPLA6):c.796-11C>T

Gene: PNPLA6 (patatin like domain 6, lysophospholipase; plus strand). Cytogenetic location: 19p13.2.
Variant type: single nucleotide variant.
Coding change: c.796-11C>T on transcript NM_001166114.2 (MANE Select); 11 bases into the intron before coding-DNA position 796, C replaced by T.
Molecular consequence: intron variant.
Genome position (GRCh38, 1-based): chr19:7,540,912, C>T. VCF-style: chr19-7540912-C-T. GRCh37 (hg19) VCF-style: chr19-7605798-C-T.
Other names: c.679-11C>T (NM_006702.5, NM_001166112.2, NM_001166113.1); c.823-11C>T (NM_001166111.2).
Identifiers: ClinVar variation 508722 (VCV000508722.8), dbSNP rs758381371, ClinGen allele CA9139582.
Genomic context (GRCh38, chr19:7,540,912, plus strand): 5'-GGATTAGGGGAGTAGCGAGGGGGACTCGCAGCCTCTGCCCTTGTCTCTCTTCACGCCCTC[C>T]CCTCCCCCAGGGTCACCAGCATCCCCAGCGGACCGTGTCTGCCCGGGCGGCCCGGGACTC-3'